The following is an entry in ClinVar:

NM_000310.4(PPT1):c.289_290del (p.Gln97fs)

Gene: PPT1 (palmitoyl-protein thioesterase 1; minus strand). Cytogenetic location: 1p34.2.
Variant type: Deletion.
Coding change: c.289_290del on transcript NM_000310.4 (MANE Select); coding-DNA positions 289 to 290, 2 bases deleted (CA; older notation c.289_290delCA).
Protein change: p.Gln97fs; shifts the reading frame from glutamine 97.
Molecular consequence: frameshift variant. On other transcripts: intron variant (1).
Genome position (GRCh38, 1-based): chr1:40,092,117-40,092,118, TG deleted on the plus strand (CA on the coding strand, the reverse complement: PPT1 is on the minus strand). VCF-style (leftmost placement, unchanged base first): chr1-40092116-CTG-C. GRCh37 (hg19) VCF-style: chr1-40557788-CTG-C.
Other names: c.289_290del, p.Gln97fs (NM_001363695.2); c.125-2606_125-2605del (NM_001142604.2); c.289_290delCA (NM_000310.3); short protein forms Q97fs.
Identifiers: ClinVar variation 856480 (VCV000856480.12), dbSNP rs1649597261, ClinGen allele CA916082014.

ClinVar aggregate classification (germline): Pathogenic. Review status: criteria provided, multiple submitters, no conflicts (2 of 4 stars). 3 submissions from 3 submitters: Pathogenic (3). Last evaluated 2025-12-24.

Conditions:
Neuronal ceroid lipofuscinosis 1 (CLN1). Also called: CEROID LIPOFUSCINOSIS, NEURONAL, 1, VARIABLE AGE AT ONSET; PPT1-Related Neuronal Ceroid-Lipofuscinosis. Identifiers: Orphanet 228329, MedGen C1850451, MONDO:0009744, OMIM 256730.

Allele frequency attached by ClinVar (database versions not stated): TOPMed below 0.00001.

Submissions (3):

Natera, Inc.
Classification: Pathogenic for Neuronal ceroid lipofuscinosis 1. Last evaluated: 2025-12-24. Review status: criteria provided, single submitter. Criteria: Natera Variant Classification Schema (03/2026). Collection method: clinical testing. Allele origin: germline.
Comment: The c.289_290delCA variant in PPT1 is a frameshift variant predicted to shift the reading frame beginning at codon 97 and leads to a stop codon 4 codons downstream. This variant is expected to result in nonsense mediated decay, truncation, or a dysfunctional protein product. This variant is rare in the general population with a frequency below the threshold expected for the associated phenotype(s). This variant has been observed in one or more individuals affected with the associated recessive disease, as either homozygous or compound heterozygous with a second variant (PMID: 31741823). Given the available evidence, this variant is classified as Pathogenic.

Myriad Genetics, Inc.
Classification: Pathogenic for Neuronal ceroid lipofuscinosis 1. Last evaluated: 2025-07-15. Review status: criteria provided, single submitter. Criteria: Myriad Autosomal Dominant, Autosomal Recessive and X-Linked Classification Criteria (2023). Collection method: clinical testing. Allele origin: unknown.
Comment: NM_000310.3(PPT1):c.289_290delCA(Q97Gfs*4) is a frameshift variant classified as pathogenic in the context of neuronal ceroid lipofuscinosis, PPT1-related. Q97Gfs*4 has been observed in a case with relevant disease (PMID: 31741823). Relevant functional assessments of this variant are not available in the literature. Q97Gfs*4 has not been observed in referenced population frequency databases. In summary, NM_000310.3(PPT1):c.289_290delCA(Q97Gfs*4) is a frameshift variant in a gene where loss of function is a known mechanism of disease, is predicted to disrupt protein function, and has been observed more frequently in cases with the relevant disease than in healthy populations. Please note: this variant was assessed in the context of healthy population screening.

Labcorp Genetics (formerly Invitae), Labcorp
Classification: Pathogenic for Neuronal ceroid lipofuscinosis 1. Last evaluated: 2019-12-03. Review status: criteria provided, single submitter. Criteria: Invitae Variant Classification Sherloc (09022015). Collection method: clinical testing. Allele origin: germline.
Comment: For these reasons, this variant has been classified as Pathogenic. Loss-of-function variants in PPT1 are known to be pathogenic (PMID: 10679943). This variant has not been reported in the literature in individuals with PPT1-related conditions. This variant is not present in population databases (ExAC no frequency). This sequence change creates a premature translational stop signal (p.Gln97Glyfs*4) in the PPT1 gene. It is expected to result in an absent or disrupted protein product.

Literature cited by the submitters: PubMed 31741823 (cited by Natera, Inc. and Myriad Genetics, Inc.); PubMed 10679943 (cited by Labcorp Genetics (formerly Invitae), Labcorp).